The following is an entry in ClinVar:

ClinVar aggregate classification (germline): Benign/Likely benign. Review status: criteria provided, multiple submitters, no conflicts (2 of 4 stars). 7 submissions from 7 submitters: Benign (5); Likely benign (1). 1 of the submissions does not count toward it. Last evaluated 2026-01-22.

Allele frequency attached by ClinVar (database versions not stated): 1000 Genomes Project 30x 0.00422; 1000 Genomes Project 0.00459; TOPMed 0.00960; gnomAD 0.01011 and 0.01013; gnomAD exomes 0.01086 and 0.01536; ExAC 0.01174; ESP Exome Variant Server 0.01342.
gnomAD v4.1: 23,763 of 1,613,978 alleles (1.5%); highest among the groups gnomAD compares: Non-Finnish European, 1.8%; 239 homozygotes.

Submissions (7):

Labcorp Genetics (formerly Invitae), Labcorp
Classification: Benign. Last evaluated: 2026-01-22. Review status: criteria provided, single submitter. Criteria: Invitae Variant Classification Sherloc (09022015). Collection method: clinical testing. Allele origin: germline.

CeGaT Center for Human Genetics Tuebingen
Classification: Benign. Last evaluated: 2025-01-01. Review status: criteria provided, single submitter. Criteria: CeGaT Center For Human Genetics Tuebingen Variant Classification Criteria Version 2. Collection method: clinical testing. Allele origin: germline. Affected: yes. Observed: 11 variant alleles.
Comment: FAT1: BS1, BS2

Mayo Clinic Laboratories, Mayo Clinic
Classification: Benign. Last evaluated: 2024-12-06. Review status: criteria provided, single submitter. Criteria: ACMG Guidelines, 2015. Collection method: clinical testing. Allele origin: germline. Observed: 2 variant alleles.
Comment: BS1, BS2, BP4_moderate

Blueprint Genetics
Classification: Likely benign. Last evaluated: 2024-11-21. Review status: criteria provided, single submitter. Criteria: ACMG Guidelines, 2015. Collection method: clinical testing. Allele origin: germline.

GeneDx
Classification: Benign. Last evaluated: 2020-11-24. Review status: criteria provided, single submitter. Criteria: GeneDx Variant Classification Process June 2021. Collection method: clinical testing. Allele origin: germline. Affected: yes.
Comment: This variant is associated with the following publications: (PMID: 30054724)

Breakthrough Genomics
Classification: Benign. Review status: criteria provided, single submitter. Criteria: ACMG Guidelines, 2015. Collection method: not provided. Allele origin: germline. Inheritance: Unknown mechanism. Affected: yes.

Department of Pathology and Laboratory Medicine, Sinai Health System
Classification: Likely benign. Review status: no assertion criteria provided. Collection method: clinical testing. Allele origin: unknown. Affected: yes. Study: The Canadian Open Genetics Repository (COGR). Not counted in ClinVar's aggregate classification.
Comment: The FAT1 p.Val3719Met variant was not identified in the literature nor was it identified in ClinVar. The variant was identified in dbSNP (ID: rs35670235), Cosmic (FATHMM prediction: pathogenic; score=0.91) and LOVD 3.0 (classified as benign). The variant was identified in control databases in 3047 of 280358 chromosomes (44 homozygous) at a frequency of 0.010868 increasing the likelihood this could be a low frequency benign variant (Genome Aggregation Database Feb 27, 2017). The variant was observed in the following populations: European (non-Finnish) in 2221 of 128148 chromosomes (freq: 0.01733), South Asian in 313 of 30600 chromosomes (freq: 0.01023), Other in 57 of 7136 chromosomes (freq: 0.007988), Ashkenazi Jewish in 77 of 10350 chromosomes (freq: 0.00744), European (Finnish) in 177 of 25024 chromosomes (freq: 0.007073), Latino in 127 of 35370 chromosomes (freq: 0.003591), African in 73 of 24196 chromosomes (freq: 0.003017), and East Asian in 2 of 19534 chromosomes (freq: 0.000102). The p.Val3719 residue is conserved in mammals and computational analyses (PolyPhen-2, SIFT, AlignGVGD, BLOSUM, MutationTaster) provide inconsistent predictions regarding the impact to the protein; this information is not very predictive of pathogenicity. The variant occurs outside of the splicing consensus sequence and in silico or computational prediction software programs (SpliceSiteFinder, MaxEntScan, NNSPLICE, GeneSplicer) do not predict a difference in splicing. In summary, based on the above information the clinical significance of this variant cannot be determined with certainty at this time although we would lean towards a more benign role for this variant. This variant is classified as likely benign.

NM_005245.4(FAT1):c.11155G>A (p.Val3719Met)

Genes: FAT1 (FAT atypical cadherin 1; minus strand), LOC126807254 (BRD4-independent group 4 enhancer GRCh37_chr4:187524269-187525468; plus strand). Cytogenetic location: 4q35.2.
Variant type: single nucleotide variant.
Coding change: c.11155G>A on transcript NM_005245.4 (MANE Select); coding-DNA position 11155, G replaced by A.
Protein change: p.Val3719Met; replaces valine 3719 with methionine.
Molecular consequence: missense variant.
Genome position (GRCh38, 1-based): chr4:186,603,371, C>T on the plus strand (G>A on the coding strand, the complement: FAT1 is on the minus strand). VCF-style: chr4-186603371-C-T. GRCh37 (hg19) VCF-style: chr4-187524525-C-T.
Other names: p.Val3719Met; short protein forms V3719M.
Identifiers: ClinVar variation 1050227 (VCV001050227.38), dbSNP rs35670235, ClinGen allele CA3165179.